The following is an entry in ClinVar:

NM_001267550.2(TTN):c.105892A>G (p.Lys35298Glu)

Genes: TTN (titin; minus strand), TTN-AS1 (TTN antisense RNA 1; plus strand), LOC129935183 (ATAC-STARR-seq lymphoblastoid active region 16808; plus strand). Cytogenetic location: 2q31.2.
Variant type: single nucleotide variant.
Coding change: c.105892A>G on transcript NM_001267550.2 (MANE Select); coding-DNA position 105892, A replaced by G.
Protein change: p.Lys35298Glu; replaces lysine 35298 with glutamic acid.
Molecular consequence: missense variant.
Genome position (GRCh38, 1-based): chr2:178,530,723, T>C on the plus strand (A>G on the coding strand, the complement: TTN is on the minus strand). VCF-style: chr2-178530723-T-C. GRCh37 (hg19) VCF-style: chr2-179395450-T-C.
Other names: c.100969A>G, p.Lys33657Glu (NM_001256850.1); c.78697A>G, p.Lys26233Glu (NM_003319.4); c.98188A>G, p.Lys32730Glu (NM_133378.4); c.79072A>G, p.Lys26358Glu (NM_133432.3); c.79273A>G, p.Lys26425Glu (NM_133437.4); short protein forms K26233E, K26358E, K26425E, K32730E, K33657E, K35298E.
Identifiers: ClinVar variation 3752366 (VCV003752366.3).

ClinVar aggregate classification (germline): Uncertain significance. Review status: criteria provided, multiple submitters, no conflicts (2 of 4 stars). 2 submissions from 2 submitters: Uncertain significance (2). Last evaluated 2025-05-06.

Conditions:
Autosomal recessive limb-girdle muscular dystrophy type 2J (LGMDR10). Also called: Limb-girdle muscular dystrophy, type 2J; MUSCULAR DYSTROPHY, LIMB-GIRDLE, AUTOSOMAL RECESSIVE 10. Identifiers: Orphanet 140922, MedGen C1837342, MONDO:0012127, OMIM 608807.
Dilated cardiomyopathy 1G (CMD1G). Identifiers: Orphanet 154, MedGen C1858763, MONDO:0011400, OMIM 604145.

gnomAD v4.1: 1 of 1,613,958 alleles (0.000062%); highest among the groups gnomAD compares: Non-Finnish European, 0.000085%; no homozygotes.

Submissions (2):

Labcorp Genetics (formerly Invitae), Labcorp
Classification: Uncertain significance for Dilated cardiomyopathy 1G; Autosomal recessive limb-girdle muscular dystrophy type 2J. Last evaluated: 2025-05-06. Review status: criteria provided, single submitter. Criteria: Invitae Variant Classification Sherloc (09022015). Collection method: clinical testing. Allele origin: germline.
Comment: This sequence change replaces lysine, which is basic and polar, with glutamic acid, which is acidic and polar, at codon 35298 of the TTN protein (p.Lys35298Glu). This variant is not present in population databases (gnomAD no frequency). This variant has not been reported in the literature in individuals affected with TTN-related conditions. ClinVar contains an entry for this variant (Variation ID: 3752366). An algorithm developed to predict the effect of missense changes on protein structure and function outputs the following: PolyPhen-2: "Not Available". The glutamic acid amino acid residue is found in multiple mammalian species, which suggests that this missense change does not adversely affect protein function. This variant is located in the M band of TTN (PMID: 25589632). Non-truncating variants in this region may be relevant for neuromuscular disorders, but have not been definitively shown to cause cardiomyopathy (PMID: 23975875). In summary, the available evidence is currently insufficient to determine the role of this variant in disease. Therefore, it has been classified as a Variant of Uncertain Significance.

GeneDx
Classification: Uncertain significance. Last evaluated: 2025-04-21. Review status: criteria provided, single submitter. Criteria: GeneDx Variant Classification Process June 2021. Collection method: clinical testing. Allele origin: germline. Affected: yes.
Comment: Not observed at significant frequency in large population cohorts (gnomAD); Missense variant in a gene in which most reported pathogenic variants are truncating/loss of function; Has not been previously published as pathogenic or benign to our knowledge

Literature cited by the submitters: PubMed 25589632 (cited by Labcorp Genetics (formerly Invitae), Labcorp); PubMed 23975875 (cited by Labcorp Genetics (formerly Invitae), Labcorp).